The following is an entry in ClinVar:

ClinVar aggregate classification (germline): Pathogenic (1 of 4 stars; one submission).

Conditions:
Hypodontia. Also called: Partial congenital absence of teeth; TOOTH AGENESIS, FAMILIAL; Tooth agenesis, selective. Identifiers: Orphanet 99798, MedGen C0020608, MONDO:0005486, HP:0000668. Disease mechanism: loss of function.

Submission:

Labcorp Genetics (formerly Invitae), Labcorp
Classification: Pathogenic for Hypodontia. Last evaluated: 2021-06-15. Review status: criteria provided, single submitter. Criteria: Invitae Variant Classification Sherloc (09022015). Collection method: clinical testing. Allele origin: germline.
Comment: For these reasons, this variant has been classified as Pathogenic. Loss-of-function variants in PAX9 are known to be pathogenic (PMID: 14607846, 16236760, 16479262). This sequence change creates a premature translational stop signal (p.Tyr60*) in the PAX9 gene. It is expected to result in an absent or disrupted protein product. This variant is not present in population databases (ExAC no frequency). This variant has been reported in an individual with isolated hypodontia (PMID: 22581971).

Literature cited by the submitters: PubMed 14607846; PubMed 16236760; PubMed 16479262; PubMed 22581971.

NM_001372076.1(PAX9):c.180C>A (p.Tyr60Ter)

Gene: PAX9 (paired box 9; plus strand). Cytogenetic location: 14q13.3.
Variant type: single nucleotide variant.
Coding change: c.180C>A on transcript NM_001372076.1 (MANE Select); coding-DNA position 180, C replaced by A.
Protein change: p.Tyr60Ter; replaces tyrosine 60 with a stop codon.
Molecular consequence: nonsense.
Genome position (GRCh38, 1-based): chr14:36,663,072, C>A. VCF-style: chr14-36663072-C-A. GRCh37 (hg19) VCF-style: chr14-37132277-C-A.
Other names: c.180C>A, p.Tyr60Ter (NM_006194.4); short protein forms Y60*.
Identifiers: ClinVar variation 526772 (VCV000526772.8), dbSNP rs1555316704, ClinGen allele CA389466282.
Genomic context (GRCh38, chr14:36,663,072, plus strand): 5'-TGACATCAGCCGCCAGCTACGGGTCTCGCACGGCTGCGTCAGCAAGATCCTGGCGCGATA[C>A]AACGAGACGGGCTCGATCTTGCCAGGAGCCATCGGGGGCAGCAAGCCCCGGGTCACTACC-3'